The following is an entry in ClinVar:

NM_003072.5(SMARCA4):c.476C>G (p.Pro159Arg)

Gene: SMARCA4 (SWI/SNF related BAF chromatin remodeling complex subunit ATPase 4; plus strand). Cytogenetic location: 19p13.2.
Variant type: single nucleotide variant.
Coding change: c.476C>G on transcript NM_003072.5 (MANE Select); coding-DNA position 476, C replaced by G.
Protein change: p.Pro159Arg; replaces proline 159 with arginine.
Molecular consequence: missense variant. On other transcripts: non-coding transcript variant (1).
Genome position (GRCh38, 1-based): chr19:10,986,309, C>G. VCF-style: chr19-10986309-C-G. GRCh37 (hg19) VCF-style: chr19-11096985-C-G.
Other names: c.476C>G, p.Pro159Arg (NM_001128844.3, NM_001128845.2, NM_001128846.2 and 6 more transcripts); short protein forms P159R.
Identifiers: ClinVar variation 2819142 (VCV002819142.3), dbSNP rs747458180, ClinGen allele CA404056077.

ClinVar aggregate classification (germline): Uncertain significance (1 of 4 stars; one submission).

Conditions:
Rhabdoid tumor predisposition syndrome 2 (RTPS2). Identifiers: Orphanet 231108, Orphanet 69077, MedGen C2750074, MONDO:0013224, OMIM 613325.

Submission:

Labcorp Genetics (formerly Invitae), Labcorp
Classification: Uncertain significance for Rhabdoid tumor predisposition syndrome 2. Last evaluated: 2022-12-07. Review status: criteria provided, single submitter. Criteria: Invitae Variant Classification Sherloc (09022015). Collection method: clinical testing. Allele origin: germline.
Comment: This sequence change replaces proline, which is neutral and non-polar, with arginine, which is basic and polar, at codon 159 of the SMARCA4 protein (p.Pro159Arg). This variant is not present in population databases (gnomAD no frequency). This variant has not been reported in the literature in individuals affected with SMARCA4-related conditions. Advanced modeling of protein sequence and biophysical properties (such as structural, functional, and spatial information, amino acid conservation, physicochemical variation, residue mobility, and thermodynamic stability) has been performed at Invitae for this missense variant, however the output from this modeling did not meet the statistical confidence thresholds required to predict the impact of this variant on SMARCA4 protein function. In summary, the available evidence is currently insufficient to determine the role of this variant in disease. Therefore, it has been classified as a Variant of Uncertain Significance.